The following is an entry in ClinVar:

ClinVar aggregate classification (germline): Uncertain significance. Review status: criteria provided, multiple submitters, no conflicts (2 of 4 stars). 5 submissions from 5 submitters: Uncertain significance (4). 1 of the submissions does not count toward it. Last evaluated 2024-08-09.

Conditions:
Nemaline myopathy 2 (NEM2). Also called: Nemaline myopathy 2, autosomal recessive. Identifiers: MedGen C1850569, MONDO:0009725, OMIM 256030.
Inborn genetic diseases. Identifiers: MedGen C0950123, MeSH D030342.

Allele frequency attached by ClinVar (database versions not stated): gnomAD exomes below 0.00001; gnomAD 0.00001; TOPMed 0.00001.
gnomAD v4.1: 10 of 1,613,880 alleles (0.00062%); highest among the groups gnomAD compares: Non-Finnish European, 0.00085%; no homozygotes.

Submissions (5):

GeneDx
Classification: Uncertain significance. Last evaluated: 2024-08-09. Review status: criteria provided, single submitter. Criteria: GeneDx Variant Classification Process June 2021. Collection method: clinical testing. Allele origin: germline. Affected: yes.
Comment: Not observed at significant frequency in large population cohorts (gnomAD); In silico analysis indicates that this missense variant does not alter protein structure/function; Has not been previously published as pathogenic or benign to our knowledge

Ambry Genetics
Classification: Uncertain significance for Inborn genetic diseases. Last evaluated: 2022-11-19. Review status: criteria provided, single submitter. Criteria: Ambry Variant Classification Scheme 2023. Collection method: clinical testing. Allele origin: germline.

Labcorp Genetics (formerly Invitae), Labcorp
Classification: Uncertain significance for Nemaline myopathy 2. Last evaluated: 2021-08-31. Review status: criteria provided, single submitter. Criteria: Invitae Variant Classification Sherloc (09022015). Collection method: clinical testing. Allele origin: germline.
Comment: This sequence change replaces glutamine with histidine at codon 3664 of the NEB protein (p.Gln3664His). The glutamine residue is moderately conserved and there is a small physicochemical difference between glutamine and histidine. This variant is not present in population databases (ExAC no frequency). This variant has not been reported in the literature in individuals affected with NEB-related conditions. Algorithms developed to predict the effect of missense changes on protein structure and function are either unavailable or do not agree on the potential impact of this missense change (SIFT: "Deleterious"; PolyPhen-2: "Not Available"; Align-GVGD: "Class C0"). In summary, the available evidence is currently insufficient to determine the role of this variant in disease. Therefore, it has been classified as a Variant of Uncertain Significance.

Illumina Laboratory Services, Illumina
Classification: Uncertain significance for Nemaline myopathy 2. Last evaluated: 2018-01-13. Review status: criteria provided, single submitter. Criteria: ICSL Variant Classification Criteria 13 December 2019. Collection method: clinical testing. Allele origin: germline.

Natera, Inc.
Classification: Uncertain significance for Nemaline myopathy type 2. Last evaluated: 2020-10-23. Review status: no assertion criteria provided. Collection method: clinical testing. Allele origin: germline. Not counted in ClinVar's aggregate classification.

NM_001164508.2(NEB):c.10992G>C (p.Gln3664His)

Gene: NEB (nebulin; minus strand). Cytogenetic location: 2q23.3.
Variant type: single nucleotide variant.
Coding change: c.10992G>C on transcript NM_001164508.2 (MANE Select); coding-DNA position 10992, G replaced by C.
Protein change: p.Gln3664His; replaces glutamine 3664 with histidine.
Molecular consequence: missense variant.
Genome position (GRCh38, 1-based): chr2:151,618,359, C>G on the plus strand (G>C on the coding strand, the complement: NEB is on the minus strand). VCF-style: chr2-151618359-C-G. GRCh37 (hg19) VCF-style: chr2-152474873-C-G.
Other names: c.10992G>C, p.Gln3664His (NM_001164507.2, NM_001271208.2); c.10263G>C, p.Gln3421His (NM_004543.5); short protein forms Q3421H, Q3664H.
Identifiers: ClinVar variation 838182 (VCV000838182.12), dbSNP rs1386975124, ClinGen allele CA348786051.